The following is an entry in ClinVar:

ClinVar aggregate classification (germline): Likely benign. Review status: criteria provided, multiple submitters, no conflicts (2 of 4 stars). 4 submissions from 4 submitters: Likely benign (3). 1 of the submissions does not count toward it. Last evaluated 2025-10-14.

Conditions:
CBL-related disorder. Also called: CBL MUTATION-ASSOCIATED SYNDROME; CBL SYNDROME; NOONAN SYNDROME-LIKE DISORDER WITHOUT JUVENILE MYELOMONOCYTIC LEUKEMIA. Identifiers: Orphanet 363972, MedGen C3150803, MONDO:0013308, OMIM 613563.
RASopathy. Also called: rasopathies; Noonan spectrum disorder. Identifiers: Orphanet 536391, MedGen C5555857, MONDO:0021060.
Cardiovascular phenotype. Identifiers: MedGen CN230736.

Allele frequency attached by ClinVar (database versions not stated): TOPMed below 0.00001; gnomAD 0.00001.
gnomAD v4.1: 1 of 1,613,304 alleles (0.000062%); highest among the groups gnomAD compares: Admixed American, 0.0017%; no homozygotes.

Submissions (4):

Ambry Genetics
Classification: Likely benign for Cardiovascular phenotype. Last evaluated: 2025-10-14. Review status: criteria provided, single submitter. Criteria: Ambry Variant Classification Scheme 2023. Collection method: clinical testing. Allele origin: germline.

Labcorp Genetics (formerly Invitae), Labcorp
Classification: Likely benign for RASopathy. Last evaluated: 2025-03-10. Review status: criteria provided, single submitter. Criteria: Invitae Variant Classification Sherloc (09022015). Collection method: clinical testing. Allele origin: germline.

Women's Health and Genetics/Laboratory Corporation of America, LabCorp
Classification: Likely benign. Last evaluated: 2021-09-07. Review status: criteria provided, single submitter. Criteria: LabCorp Variant Classification Summary - May 2015. Collection method: clinical testing. Allele origin: germline.

PreventionGenetics, part of Exact Sciences
Classification: Likely benign for CBL-related condition. Last evaluated: 2024-08-01. Review status: no assertion criteria provided. Collection method: clinical testing. Allele origin: germline. Not counted in ClinVar's aggregate classification.
Comment: This variant is classified as likely benign based on ACMG/AMP sequence variant interpretation guidelines (Richards et al. 2015 PMID: 25741868, with internal and published modifications).

NM_005188.4(CBL):c.1074A>G (p.Gln358=)

Gene: CBL (Cbl proto-oncogene; plus strand). Cytogenetic location: 11q23.3.
Variant type: single nucleotide variant.
Coding change: c.1074A>G on transcript NM_005188.4 (MANE Select); coding-DNA position 1074, A replaced by G.
Protein change: p.Gln358=; no amino-acid change (glutamine 358 retained).
Molecular consequence: synonymous variant.
Genome position (GRCh38, 1-based): chr11:119,277,823, A>G. VCF-style: chr11-119277823-A-G. GRCh37 (hg19) VCF-style: chr11-119148533-A-G.
Other names: c.1074A>G (NM_005188.2).
Identifiers: ClinVar variation 405368 (VCV000405368.13), dbSNP rs1060500678, ClinGen allele CA16613531.